The following is an entry in ClinVar:

NM_001244008.2(KIF1A):c.-28C>T

Gene: KIF1A (kinesin family member 1A; minus strand). Cytogenetic location: 2q37.3.
Variant type: single nucleotide variant.
Coding change: c.-28C>T on transcript NM_001244008.2 (MANE Select); 28 bases upstream of the start codon, C replaced by T.
Molecular consequence: 5 prime UTR variant.
Genome position (GRCh38, 1-based): chr2:240,797,780, G>A on the plus strand (C>T on the coding strand, the complement: KIF1A is on the minus strand). VCF-style: chr2-240797780-G-A. GRCh37 (hg19) VCF-style: chr2-241737197-G-A.
Other names: c.-28C>T (NM_001320705.2, NM_001330289.2, NM_001330290.2 and 20 more transcripts).
Identifiers: ClinVar variation 516136 (VCV000516136.1), dbSNP rs774262411, ClinGen allele CA2208934.

ClinVar aggregate classification (germline): Likely benign (1 of 4 stars; one submission).

Allele frequency attached by ClinVar (database versions not stated): gnomAD 0.00003 and 0.00004; gnomAD exomes 0.00003; TOPMed 0.00003; ExAC 0.00004.
gnomAD v4.1: 91 of 1,434,026 alleles (0.0063%); highest among the groups gnomAD compares: Non-Finnish European, 0.0082%; no homozygotes.

Submission:

GeneDx
Classification: Likely benign. Last evaluated: 2017-12-06. Review status: criteria provided, single submitter. Criteria: GeneDx Variant Classification (06012015). Collection method: clinical testing. Allele origin: germline. Affected: yes.
Comment: This variant is considered likely benign or benign based on one or more of the following criteria: it is a conservative change, it occurs at a poorly conserved position in the protein, it is predicted to be benign by multiple in silico algorithms, and/or has population frequency not consistent with disease.